The following is an entry in ClinVar:

ClinVar aggregate classification (germline): Likely pathogenic. Review status: criteria provided, multiple submitters, no conflicts (2 of 4 stars). 2 submissions from 2 submitters: Likely pathogenic (2). Last evaluated 2024-05-06.

Conditions:
Joubert syndrome and related disorders. Identifiers: Orphanet 140874, MedGen C5679612, MONDO:0015369.
Joubert syndrome 3 (JBTS3). Also called: AHI1-related Ciliopathy. Identifiers: Orphanet 220493, MedGen C1837713, MONDO:0012078, OMIM 608629.

Allele frequency attached by ClinVar (database versions not stated): gnomAD 0.00002.

Submissions (2):

Fulgent Genetics
Classification: Likely pathogenic for Joubert syndrome 3. Last evaluated: 2024-05-06. Review status: criteria provided, single submitter. Criteria: ACMG Guidelines, 2015. Collection method: clinical testing. Allele origin: germline.

Women's Health and Genetics/Laboratory Corporation of America, LabCorp
Classification: Likely pathogenic for Joubert syndrome and related disorders. Last evaluated: 2022-12-06. Review status: criteria provided, single submitter. Criteria: LabCorp Variant Classification Summary - May 2015. Collection method: clinical testing. Allele origin: germline.
Comment: Variant summary: AHI1 c.2388_2389delTG (p.Glu797ValfsX2) results in a premature termination codon, predicted to cause a truncation of the encoded protein or absence of the protein due to nonsense mediated decay, which are commonly known mechanisms for disease. Truncations downstream of this position are classified as pathogenic in ClinVar. The variant was absent in 189216 control chromosomes. To our knowledge, no occurrence of c.2388_2389delTG in individuals affected with Joubert Syndrome And Related Disorders and no experimental evidence demonstrating its impact on protein function have been reported. No clinical diagnostic laboratories have submitted clinical-significance assessments for this variant to ClinVar after 2014. Based on the evidence outlined above, the variant was classified as likely pathogenic.

NM_001134831.2(AHI1):c.2388_2389del (p.Glu797fs)

Gene: AHI1 (Abelson helper integration site 1; minus strand). Cytogenetic location: 6q23.3.
Variant type: Deletion.
Coding change: c.2388_2389del on transcript NM_001134831.2 (MANE Select); coding-DNA positions 2388 to 2389, 2 bases deleted (TG; older notation c.2388_2389delTG).
Protein change: p.Glu797fs; shifts the reading frame from glutamic acid 797.
Molecular consequence: frameshift variant.
Genome position (GRCh38, 1-based): chr6:135,429,985-135,429,986, CA deleted on the plus strand (TG on the coding strand, the reverse complement: AHI1 is on the minus strand). VCF-style (leftmost placement, unchanged base first): chr6-135429984-TCA-T. GRCh37 (hg19) VCF-style: chr6-135751122-TCA-T.
Other names: c.2388_2389del, p.Glu797fs (NM_001134832.2, NM_001350503.2, NM_001350504.2 and 2 more transcripts); c.2388_2389delTG (NM_017651.4); c.2388_2389del (NM_017651.4); short protein forms E797fs.
Identifiers: ClinVar variation 1878226 (VCV001878226.2), dbSNP rs1272037551, ClinGen allele CA570557611.